The following is an entry in ClinVar:

NM_024757.5(EHMT1):c.100G>A (p.Ala34Thr)

Gene: EHMT1 (euchromatic histone lysine methyltransferase 1; plus strand). Cytogenetic location: 9q34.3.
Variant type: single nucleotide variant.
Coding change: c.100G>A on transcript NM_024757.5 (MANE Select); coding-DNA position 100, G replaced by A.
Protein change: p.Ala34Thr; replaces alanine 34 with threonine.
Molecular consequence: missense variant.
Genome position (GRCh38, 1-based): chr9:137,716,640, G>A. VCF-style: chr9-137716640-G-A. GRCh37 (hg19) VCF-style: chr9-140611092-G-A.
Other names: c.100G>A, p.Ala34Thr (NM_001145527.2, NM_001354263.2, NM_001354611.2); c.7G>A, p.Ala3Thr (NM_001354259.2, NM_001354612.2); short protein forms A34T, A3T.
Identifiers: ClinVar variation 578227 (VCV000578227.9), dbSNP rs761039277, ClinGen allele CA5374175.
Genomic context (GRCh38, chr9:137,716,640, plus strand): 5'-GGAGAGCGTGGCCTGCAGTCAGTGACACTCGTTTCTTTGTTGGCAGAGACACCTATGGCT[G>A]CCGATGAAGGCTCAGCAGAGAAACAGGCAGGAGAGGCCCACATGGCTGCGGACGGTGAGA-3'
Protein context (NP_079033.4, residues 24-44): ELLGEETPMA[Ala34Thr]DEGSAEKQAG

ClinVar aggregate classification (germline): Uncertain significance (1 of 4 stars; one submission).

Conditions:
Kleefstra syndrome 1 (KLEFS1). Identifiers: Orphanet 261494, MedGen C0795833, MONDO:0027407, OMIM 610253.

Allele frequency attached by ClinVar (database versions not stated): gnomAD exomes 0.00001; gnomAD 0.00001; ExAC 0.00002; TOPMed 0.00001.
gnomAD v4.1: 15 of 1,571,684 alleles (0.00095%); highest among the groups gnomAD compares: Non-Finnish European, 0.0013%; no homozygotes.

Submission:

Labcorp Genetics (formerly Invitae), Labcorp
Classification: Uncertain significance for Kleefstra syndrome 1. Last evaluated: 2025-11-26. Review status: criteria provided, single submitter. Criteria: Invitae Variant Classification Sherloc (09022015). Collection method: clinical testing. Allele origin: germline.
Comment: This sequence change replaces alanine, which is neutral and non-polar, with threonine, which is neutral and polar, at codon 34 of the EHMT1 protein (p.Ala34Thr). This variant is present in population databases (rs761039277, gnomAD 0.003%). This variant has not been reported in the literature in individuals affected with EHMT1-related conditions. ClinVar contains an entry for this variant (Variation ID: 578227). An algorithm developed to predict the effect of missense changes on protein structure and function (PolyPhen-2) suggests that this variant is likely to be disruptive. In summary, the available evidence is currently insufficient to determine the role of this variant in disease. Therefore, it has been classified as a Variant of Uncertain Significance.